The following is an entry in ClinVar:

ClinVar aggregate classification (germline): Pathogenic. Review status: criteria provided, multiple submitters, no conflicts (2 of 4 stars). 2 submissions from 2 submitters: Pathogenic (2). Last evaluated 2025-12-07.

Conditions:
PKLR-related disorder. Also called: PKLR-related condition.

gnomAD v4.1: 14 of 1,614,018 alleles (0.00087%); highest among the groups gnomAD compares: Admixed American, 0.005%; no homozygotes.

Submissions (2):

Labcorp Genetics (formerly Invitae), Labcorp
Classification: Pathogenic. Last evaluated: 2025-12-07. Review status: criteria provided, single submitter. Criteria: Invitae Variant Classification Sherloc (09022015). Collection method: clinical testing. Allele origin: germline.
Comment: This sequence change affects a donor splice site in intron 7 of the PKLR gene. It is expected to disrupt RNA splicing. Variants that disrupt the donor or acceptor splice site typically lead to a loss of protein function (PMID: 16199547), and loss-of-function variants in PKLR are known to be pathogenic (PMID: 15953013, 26832193). This variant is present in population databases (rs768823171, gnomAD 0.009%). Disruption of this splice site has been observed in individual(s) with anemia and/or pyruvate kinase deficiency (PMID: 10354117, 29396846). This variant is also known as IVS8(+2)T→G. Algorithms developed to predict the effect of sequence changes on RNA splicing suggest that this variant may disrupt the consensus splice site. For these reasons, this variant has been classified as Pathogenic.

Blueprint Genetics
Classification: Pathogenic for PKLR-related disorders. Last evaluated: 2021-03-23. Review status: criteria provided, single submitter. Criteria: ACMG Guidelines, 2015. Collection method: clinical testing. Allele origin: germline. Affected: yes. Observed: 3 variant alleles.

Literature cited by the submitters: PubMed 16199547 (cited by Labcorp Genetics (formerly Invitae), Labcorp); PubMed 15953013 (cited by Labcorp Genetics (formerly Invitae), Labcorp); PubMed 26832193 (cited by Labcorp Genetics (formerly Invitae), Labcorp); PubMed 10354117 (cited by Labcorp Genetics (formerly Invitae), Labcorp); PubMed 29396846 (cited by Labcorp Genetics (formerly Invitae), Labcorp).

NM_000298.6(PKLR):c.1116+2T>G

Gene: PKLR (pyruvate kinase L/R; minus strand). Cytogenetic location: 1q22.
Variant type: single nucleotide variant.
Coding change: c.1116+2T>G on transcript NM_000298.6 (MANE Select); the canonical splice donor site of the intron after coding-DNA position 1116, T replaced by G.
Molecular consequence: splice donor variant.
Genome position (GRCh38, 1-based): chr1:155,294,233, A>C on the plus strand (T>G on the coding strand, the complement: PKLR is on the minus strand). VCF-style: chr1-155294233-A-C. GRCh37 (hg19) VCF-style: chr1-155264024-A-C.
Other names: c.1023+2T>G (NM_181871.4).
Identifiers: ClinVar variation 4746887 (VCV004746887.2).